The following is an entry in ClinVar:

ClinVar aggregate classification (germline): Uncertain significance (1 of 4 stars; one submission).

gnomAD v4.1: 1 of 1,603,758 alleles (0.000062%); highest among the groups gnomAD compares: Non-Finnish European, 0.000085%; no homozygotes.

Submission:

Ambry Genetics
Classification: Uncertain significance. Last evaluated: 2025-10-23. Review status: criteria provided, single submitter. Criteria: Ambry Variant Classification Scheme 2023. Collection method: clinical testing. Allele origin: germline.
Comment: The p.N395D variant (also known as c.1183A>G), located in coding exon 10 of the GEN1 gene, results from an A to G substitution at nucleotide position 1183. The asparagine at codon 395 is replaced by aspartic acid, an amino acid with highly similar properties. This amino acid position is conserved. In addition, this alteration is predicted to be tolerated by in silico analysis. Based on the available evidence, the clinical significance of this variant remains unclear.

NM_001130009.3(GEN1):c.1183A>G (p.Asn395Asp)

Gene: GEN1 (GEN1 structure-specific endonuclease; plus strand). Cytogenetic location: 2p24.2.
Variant type: single nucleotide variant.
Coding change: c.1183A>G on transcript NM_001130009.3 (MANE Select); coding-DNA position 1183, A replaced by G.
Protein change: p.Asn395Asp; replaces asparagine 395 with aspartic acid.
Molecular consequence: missense variant.
Genome position (GRCh38, 1-based): chr2:17,774,382, A>G. VCF-style: chr2-17774382-A-G. GRCh37 (hg19) VCF-style: chr2-17955649-A-G.
Other names: c.1183A>G, p.Asn395Asp (NM_182625.5); short protein forms N395D.
Identifiers: ClinVar variation 4671480 (VCV004671480.1).
Genomic context (GRCh38, chr2:17,774,382, plus strand): 5'-TTGCTGGTACTTTTGACCCATTATGACATGATAGAAAGAAAGCTTGGTAGCAGAAACTCT[A>G]ATCAACTACAGCCAATTCGGTAATGTAAAGAACTGTATGGTGAAGGTGGTGTTTTTACTT-3'
Protein context (NP_001123481.3, residues 385-405): IERKLGSRNS[Asn395Asp]QLQPIRIVKT